The following is an entry in ClinVar:

ClinVar aggregate classification (germline): Uncertain significance. Review status: criteria provided, multiple submitters, no conflicts (2 of 4 stars). 2 submissions from 2 submitters: Uncertain significance (2). Last evaluated 2022-08-01.

Allele frequency attached by ClinVar (database versions not stated): gnomAD exomes 0.00001; ExAC 0.00002; gnomAD 0.00003; TOPMed 0.00004.

Submissions (2):

Labcorp Genetics (formerly Invitae), Labcorp
Classification: Uncertain significance. Last evaluated: 2022-08-01. Review status: criteria provided, single submitter. Criteria: Invitae Variant Classification Sherloc (09022015). Collection method: clinical testing. Allele origin: germline.
Comment: This sequence change replaces methionine, which is neutral and non-polar, with valine, which is neutral and non-polar, at codon 1673 of the DMXL2 protein (p.Met1673Val). This variant is present in population databases (rs764505709, gnomAD 0.007%). This missense change has been observed in individual(s) with congenital heart disease (PMID: 32368696). Algorithms developed to predict the effect of missense changes on protein structure and function are either unavailable or do not agree on the potential impact of this missense change (SIFT: "Deleterious"; PolyPhen-2: "Benign"; Align-GVGD: "Class C0"). In summary, the available evidence is currently insufficient to determine the role of this variant in disease. Therefore, it has been classified as a Variant of Uncertain Significance.

Blueprint Genetics
Classification: Uncertain significance. Last evaluated: 2020-08-10. Review status: criteria provided, single submitter. Criteria: ACMG Guidelines, 2015. Collection method: clinical testing. Allele origin: germline.

Literature cited by the submitters: PubMed 32368696 (cited by Labcorp Genetics (formerly Invitae), Labcorp).

NM_001378457.1(DMXL2):c.5017A>G (p.Met1673Val)

Gene: DMXL2 (Dmx like 2; minus strand). Cytogenetic location: 15q21.2.
Variant type: single nucleotide variant.
Coding change: c.5017A>G on transcript NM_001378457.1 (MANE Select); coding-DNA position 5017, A replaced by G.
Protein change: p.Met1673Val; replaces methionine 1673 with valine.
Molecular consequence: missense variant. On other transcripts: non-coding transcript variant (2).
Genome position (GRCh38, 1-based): chr15:51,488,582, T>C on the plus strand (A>G on the coding strand, the complement: DMXL2 is on the minus strand). VCF-style: chr15-51488582-T-C. GRCh37 (hg19) VCF-style: chr15-51780779-T-C.
Other names: c.5017A>G, p.Met1673Val (NM_001174116.3, NM_001378458.1, NM_001378459.1 and 4 more transcripts); c.3109A>G, p.Met1037Val (NM_001174117.3); c.2998A>G, p.Met1000Val (NM_001378460.1); c.4777A>G, p.Met1593Val (NM_001378464.1); short protein forms M1000V, M1037V, M1593V, M1673V.
Identifiers: ClinVar variation 2415880 (VCV002415880.4), dbSNP rs764505709, ClinGen allele CA7561883.